The following is an entry in ClinVar:

ClinVar aggregate classification (germline): Likely benign (1 of 4 stars; one submission).

Conditions:
Familial thoracic aortic aneurysm and aortic dissection (TAAD). Also called: Thoracic aortic aneurysms and dissections. Identifiers: Orphanet 91387, MedGen C4707243, MONDO:0019625.

Submission:

All of Us Research Program, National Institutes of Health
Classification: Likely benign for Familial thoracic aortic aneurysm and aortic dissection. Last evaluated: 2023-05-30. Review status: criteria provided, single submitter. Criteria: ACMG Guidelines, 2015. Collection method: clinical testing. Allele origin: germline. Inheritance: Autosomal dominant inheritance. Observed: 1 variant allele, 1 heterozygote.
Comment: This study involves interpretation of variants in research participants for the purpose of population health screening. Participant phenotype was not available at the time of variant classification. Additional details can be found in publication PMID: 35346344, PMCID: PMC8962531

NM_001613.4(ACTA2):c.537T>G (p.Arg179=)

Gene: ACTA2 (actin alpha 2, smooth muscle; minus strand). Cytogenetic location: 10q23.31.
Variant type: single nucleotide variant.
Coding change: c.537T>G on transcript NM_001613.4 (MANE Select); coding-DNA position 537, T replaced by G.
Protein change: p.Arg179=; no amino-acid change (arginine 179 retained).
Molecular consequence: synonymous variant.
Genome position (GRCh38, 1-based): chr10:88,941,308, A>C on the plus strand (T>G on the coding strand, the complement: ACTA2 is on the minus strand). VCF-style: chr10-88941308-A-C. GRCh37 (hg19) VCF-style: chr10-90701065-A-C.
Other names: c.537T>G, p.Arg179= (NM_001141945.3, NM_001320855.2, NM_001406462.1 and 3 more transcripts); c.426T>G, p.Arg142= (NM_001406466.1); c.408T>G, p.Arg136= (NM_001406467.1, NM_001406468.1, NM_001406469.1).
Identifiers: ClinVar variation 3071352 (VCV003071352.1), dbSNP rs1301667023, ClinGen allele CA470733902.